The following is an entry in ClinVar:

ClinVar aggregate classification (germline): Uncertain significance (1 of 4 stars; one submission).

Submission:

Women's Health and Genetics/Laboratory Corporation of America, LabCorp
Classification: Uncertain significance. Last evaluated: 2025-10-27. Review status: criteria provided, single submitter. Criteria: LabCorp Variant Classification Summary - May 2015. Collection method: clinical testing. Allele origin: germline.
Comment: Variant summary: The variant involves the duplication of exons 1-11 in the MLC1 gene. A presumed nomenclature of c.(?_-132)_(1059+1_1060-1)dup has been designated for the purposes of this classification. The exact breakpoint at the 5' end of this variant is unknown, therefore this duplication may extend upstream of the annotated region of this gene. It is predicted to duplicate a segment including the initiation codon, therefore its impact on the encoded protein is unknown. The variant was absent in 21694 control chromosomes (gnomAD). The available data on variant occurrences in the general population are insufficient to allow any conclusion about variant significance. To our knowledge, no occurrence of c.(?_-132)_(1059+1_1060-1)dup in individuals affected with MLC1-related conditions and no experimental evidence demonstrating its impact on protein function have been reported. ClinVar contains an entry for this variant (Variation ID: 1705231). Based on the evidence outlined above, the variant was classified as uncertain significance.

NC_000022.10:g.(50500087_50502462)_(50523856_?)dup

Gene: MLC1 (modulator of VRAC current 1; minus strand). Cytogenetic location: 22q13.33.
Variant type: Duplication.
Identifiers: ClinVar variation 4687730 (VCV004687730.1).